The following is an entry in ClinVar:

NM_152703.5(SAMD9L):c.1324G>C (p.Ala442Pro)

Gene: SAMD9L (sterile alpha motif domain containing 9 like; minus strand). Cytogenetic location: 7q21.2.
Variant type: single nucleotide variant.
Coding change: c.1324G>C on transcript NM_152703.5 (MANE Select); coding-DNA position 1324, G replaced by C.
Protein change: p.Ala442Pro; replaces alanine 442 with proline.
Molecular consequence: missense variant.
Genome position (GRCh38, 1-based): chr7:93,134,648, C>G on the plus strand (G>C on the coding strand, the complement: SAMD9L is on the minus strand). VCF-style: chr7-93134648-C-G. GRCh37 (hg19) VCF-style: chr7-92763961-C-G.
Other names: c.1324G>C, p.Ala442Pro (NM_001303496.3, NM_001303497.3, NM_001303498.3 and 5 more transcripts); c.1324G>C (NM_152703.2); short protein forms A442P.
Identifiers: ClinVar variation 3602701 (VCV003602701.2).

ClinVar aggregate classification (germline): Uncertain significance. Review status: criteria provided, multiple submitters, no conflicts (2 of 4 stars). 2 submissions from 2 submitters: Uncertain significance (2). Last evaluated 2025-05-16.

Conditions:
Inborn genetic diseases. Identifiers: MedGen C0950123, MeSH D030342.
Ataxia-pancytopenia syndrome (ATXPC). Also called: SAMD9L Ataxia-Pancytopenia Syndrome; SAMD9L-Related Syndrome. Identifiers: Orphanet 2585, MedGen C1327919, MONDO:0008038, OMIM 159550.

gnomAD v4.1: 5 of 1,613,940 alleles (0.00031%); highest among the groups gnomAD compares: Non-Finnish European, 0.00042%; no homozygotes.

Submissions (2):

Ambry Genetics
Classification: Uncertain significance for Inborn genetic diseases. Last evaluated: 2025-05-16. Review status: criteria provided, single submitter. Criteria: Ambry Variant Classification Scheme 2023. Collection method: clinical testing. Allele origin: germline.

St. Jude Molecular Pathology, St. Jude Children's Research Hospital
Classification: Uncertain significance for Ataxia-pancytopenia syndrome. Last evaluated: 2024-08-03. Review status: criteria provided, single submitter. Criteria: St. Jude Assertion Criteria 2020. Collection method: clinical testing. Allele origin: germline.
Comment: The SAMD9L c.1324G>C (p.Ala442Pro) missense change has a maximum subpopulation frequency of 0.002% in gnomAD v2.1.1. The in silico tool REVEL predicts a benign effect on protein function, but to our knowledge this prediction has not been confirmed by functional studies. In silico predictions have not been found to correlate with syndromic risk and are not considered supporting evidence of a pathogenic or benign effect (PMID: 34621053). This variant has not been reported in individuals with ataxia-pancytopenia syndrome or monosomy 7 myelodysplasia and leukemia syndrome. In summary, the evidence currently available is insufficient to determine the clinical significance of this variant. It has therefore been classified as of uncertain significance.